The following is an entry in ClinVar:

ClinVar aggregate classification (germline): Uncertain significance (1 of 4 stars; one submission).

Conditions:
Usher syndrome type 3B. Also called: USHER SYNDROME, TYPE IIIB. Identifiers: MedGen C3281066, MONDO:0013788, OMIM 614504.

gnomAD v4.1: 1 of 1,614,250 alleles (0.000062%); highest among the groups gnomAD compares: Non-Finnish European, 0.000085%; no homozygotes.

Submission:

Labcorp Genetics (formerly Invitae), Labcorp
Classification: Uncertain significance for Usher syndrome type 3B. Last evaluated: 2022-06-20. Review status: criteria provided, single submitter. Criteria: Invitae Variant Classification Sherloc (09022015). Collection method: clinical testing. Allele origin: germline.
Comment: In summary, the available evidence is currently insufficient to determine the role of this variant in disease. Therefore, it has been classified as a Variant of Uncertain Significance. Algorithms developed to predict the effect of missense changes on protein structure and function are either unavailable or do not agree on the potential impact of this missense change (SIFT: "Tolerated"; PolyPhen-2: "Possibly Damaging"; Align-GVGD: "Class C0"). This variant has not been reported in the literature in individuals affected with HARS-related conditions. This variant is not present in population databases (gnomAD no frequency). This sequence change replaces serine, which is neutral and polar, with asparagine, which is neutral and polar, at codon 483 of the HARS protein (p.Ser483Asn).

NM_002109.6(HARS1):c.1448G>A (p.Ser483Asn)

Gene: HARS1 (histidyl-tRNA synthetase 1; minus strand). Cytogenetic location: 5q31.3.
Variant type: single nucleotide variant.
Coding change: c.1448G>A on transcript NM_002109.6 (MANE Select); coding-DNA position 1448, G replaced by A.
Protein change: p.Ser483Asn; replaces serine 483 with asparagine.
Molecular consequence: missense variant.
Genome position (GRCh38, 1-based): chr5:140,674,689, C>T on the plus strand (G>A on the coding strand, the complement: HARS1 is on the minus strand). VCF-style: chr5-140674689-C-T. GRCh37 (hg19) VCF-style: chr5-140054274-C-T.
Other names: c.1328G>A, p.Ser443Asn (NM_001258040.3); c.1388G>A, p.Ser463Asn (NM_001258041.3); c.1268G>A, p.Ser423Asn (NM_001258042.3); c.1226G>A, p.Ser409Asn (NM_001289092.2); c.1106G>A, p.Ser369Asn (NM_001289093.2); c.1361G>A, p.Ser454Asn (NM_001289094.2); short protein forms S369N, S409N, S423N, S443N, S454N, S463N, S483N.
Identifiers: ClinVar variation 1680285 (VCV001680285.8), dbSNP rs2149819348, ClinGen allele CA361246747.